The following is an entry in ClinVar:

ClinVar aggregate classification (germline): Uncertain significance (1 of 4 stars; one submission).

Conditions:
Propionic acidemia (PROP). Also called: GLYCINEMIA, KETOTIC; HYPERGLYCINEMIA WITH KETOACIDOSIS AND LEUKOPENIA; KETOTIC HYPERGLYCINEMIA. Identifiers: Orphanet 35, MedGen C0268579, MONDO:0011628, OMIM 606054, HP:0003571.

Allele frequency attached by ClinVar (database versions not stated): ExAC 0.00002; gnomAD 0.00002; gnomAD exomes 0.00002.

Submission:

Labcorp Genetics (formerly Invitae), Labcorp
Classification: Uncertain significance for Propionic acidemia. Last evaluated: 2022-07-20. Review status: criteria provided, single submitter. Criteria: Invitae Variant Classification Sherloc (09022015). Collection method: clinical testing. Allele origin: germline.
Comment: This sequence change replaces alanine, which is neutral and non-polar, with glycine, which is neutral and non-polar, at codon 173 of the PCCA protein (p.Ala173Gly). This variant is present in population databases (rs750928504, gnomAD 0.01%). This variant has not been reported in the literature in individuals affected with PCCA-related conditions. Algorithms developed to predict the effect of missense changes on protein structure and function (SIFT, PolyPhen-2, Align-GVGD) all suggest that this variant is likely to be tolerated. In summary, the available evidence is currently insufficient to determine the role of this variant in disease. Therefore, it has been classified as a Variant of Uncertain Significance.

NM_000282.4(PCCA):c.518C>G (p.Ala173Gly)

Gene: PCCA (propionyl-CoA carboxylase subunit alpha; plus strand). Cytogenetic location: 13q32.3.
Variant type: single nucleotide variant.
Coding change: c.518C>G on transcript NM_000282.4 (MANE Select); coding-DNA position 518, C replaced by G.
Protein change: p.Ala173Gly; replaces alanine 173 with glycine.
Molecular consequence: missense variant. On other transcripts: 5 prime UTR variant (3), non-coding transcript variant (5).
Genome position (GRCh38, 1-based): chr13:100,209,381, C>G. VCF-style: chr13-100209381-C-G. GRCh37 (hg19) VCF-style: chr13-100861635-C-G.
Other names: c.440C>G, p.Ala147Gly (NM_001127692.3, NM_001352607.2, NM_001352608.2); c.518C>G, p.Ala173Gly (NM_001178004.2, NM_001352605.2, NM_001352606.2 and 1 more transcripts); c.-349C>G (NM_001352610.2, NM_001352611.2, NM_001352612.2); short protein forms A147G, A173G.
Identifiers: ClinVar variation 1942814 (VCV001942814.2), dbSNP rs750928504, ClinGen allele CA7033257.